The following is an entry in ClinVar:

ClinVar aggregate classification (germline): Pathogenic/Likely pathogenic. Review status: criteria provided, multiple submitters, no conflicts (2 of 4 stars). 5 submissions from 5 submitters: Pathogenic (3); Likely pathogenic (1). 1 of the submissions does not count toward it. Last evaluated 2024-11-07.

Conditions:
WDR73-related disorder. Also called: WDR73-related disorders; WDR73-related condition.
Galloway-Mowat syndrome 1 (GAMOS1). Identifiers: Orphanet 2065, Orphanet 83472, MedGen C4551772, MONDO:0033005, OMIM 251300.

Submissions (5):

Blueprint Genetics
Classification: Pathogenic for WDR73-related disorders. Last evaluated: 2024-11-07. Review status: criteria provided, single submitter. Criteria: ACMG Guidelines, 2015. Collection method: clinical testing. Allele origin: germline. Affected: yes. Observed: 5 variant alleles.

CeGaT Center for Human Genetics Tuebingen
Classification: Pathogenic. Last evaluated: 2020-01-01. Review status: criteria provided, single submitter. Criteria: CeGaT Center For Human Genetics Tuebingen Variant Classification Criteria Version 2. Collection method: clinical testing. Allele origin: germline. Affected: yes. Observed: 1 variant allele.

Institute of Human Genetics Munich, TUM University Hospital
Classification: Pathogenic for Galloway-Mowat syndrome 1. Last evaluated: 2019-12-30. Review status: criteria provided, single submitter. Criteria: Classification criteria August 2017. Collection method: clinical testing. Allele origin: maternal. Inheritance: Autosomal recessive inheritance. Affected: yes. Observed: 1 compound heterozygote.

Broad Center for Mendelian Genomics, Broad Institute of MIT and Harvard
Classification: Likely pathogenic for Galloway-Mowat syndrome 1. Last evaluated: 2018-12-03. Review status: criteria provided, single submitter. Criteria: ACMG Guidelines, 2015. Collection method: research. Allele origin: germline. Inheritance: Autosomal recessive inheritance. Affected: yes.
Comment: This variant was seen in 0.006677% (1/14976) of European (non-Finnish) chromosomes by the Genome Aggregation Database (gnomAD; dbSNP rs727502864). Although this variant has been seen in the general population, its frequency is low enough to be consistent with a recessive carrier frequency. This individual's unaffected parents and siblings were heterozygous for the variant or did not have the variant (PMID: 25466283). This nonsense variant leads to a premature termination codon at position 274, which is predicted to lead to a truncated or absent protein. A knock-out zebrafish model for the WDR73 gene has a phenotype that matches Galloway-Mowat syndrome and at least two loss of function variants across multiple exons have been reported in association with Galloway-Mowat syndrome in ClinVar (PMID: 25466283). Loss of function of the WDR73 gene is a moderately established disease mechanism in autosomal recessive Galloway-Mowat syndrome. This variant has also been reported pathogenic by OMIM in ClinVar (Variation ID: 162611). In summary, although additional studies are required to fully establish its clinical significance, this variant is likely pathogenic. ACMG/AMP Criteria applied: PM2, PVS1 (Richards 2015).

OMIM
Classification: Pathogenic for GALLOWAY-MOWAT SYNDROME 1. Last evaluated: 2014-12-04. Review status: no assertion criteria provided. Collection method: literature only. Allele origin: germline. Not counted in ClinVar's aggregate classification.

Literature cited by the submitters: PubMed 25466283 (cited by Broad Center for Mendelian Genomics, Broad Institute of MIT and Harvard and OMIM).

NM_032856.5(WDR73):c.766dup (p.Arg256fs)

Gene: WDR73 (WD repeat domain 73; minus strand). Cytogenetic location: 15q25.2.
Variant type: Duplication.
Coding change: c.766dup on transcript NM_032856.5 (MANE Select); coding-DNA position 766, one base duplicated (C; older notation c.766dupC).
Protein change: p.Arg256fs; shifts the reading frame from arginine 256.
Molecular consequence: frameshift variant. On other transcripts: non-coding transcript variant (4).
Genome position (GRCh38, 1-based): chr15:84,645,588, G duplicated on the plus strand (C on the coding strand, the reverse complement: WDR73 is on the minus strand); the first of 5 consecutive G bases (chr15:84,645,588-84,645,592); duplicating any one gives the same sequence. VCF-style (leftmost placement, unchanged base first): chr15-84645587-C-CG. GRCh37 (hg19) VCF-style: chr15-85188818-C-CG.
Other names: short protein forms R256fs.
Identifiers: ClinVar variation 162611 (VCV000162611.38), dbSNP rs727502864, ClinGen allele CA249834.